The following is an entry in ClinVar:

ClinVar aggregate classification (germline): Uncertain significance. Review status: criteria provided, multiple submitters, no conflicts (2 of 4 stars). 2 submissions from 2 submitters: Uncertain significance (2). Last evaluated 2021-08-24.

Conditions:
Hereditary cancer-predisposing syndrome. Also called: Neoplastic Syndromes, Hereditary; Tumor predisposition; Hereditary Cancer Syndrome; Hereditary neoplastic syndrome. Identifiers: Orphanet 140162, MedGen C0027672, MeSH D009386, MONDO:0015356.
Familial adenomatous polyposis 1 (FAP1). Also called: FAMILIAL ADENOMATOUS POLYPOSIS 1, ATTENUATED; POLYPOSIS, ADENOMATOUS INTESTINAL. Identifiers: MedGen C2713442, MONDO:0021056, OMIM 175100. Disease mechanism: loss of function.

Submissions (2):

Ambry Genetics
Classification: Uncertain significance for Hereditary cancer-predisposing syndrome. Last evaluated: 2021-08-24. Review status: criteria provided, single submitter. Criteria: Ambry Variant Classification Scheme 2023. Collection method: clinical testing. Allele origin: germline.
Comment: The p.Q1071E variant (also known as c.3211C>G), located in coding exon 15 of the APC gene, results from a C to G substitution at nucleotide position 3211. The glutamine at codon 1071 is replaced by glutamic acid, an amino acid with highly similar properties. This amino acid position is well conserved in available vertebrate species. In addition, in silico predictors for this gene do not accurately predict pathogenicity. Since supporting evidence is limited at this time, the clinical significance of this alteration remains unclear.

Labcorp Genetics (formerly Invitae), Labcorp
Classification: Uncertain significance for Familial adenomatous polyposis 1. Last evaluated: 2020-01-14. Review status: criteria provided, single submitter. Criteria: Invitae Variant Classification Sherloc (09022015). Collection method: clinical testing. Allele origin: germline.
Comment: This variant is not present in population databases (ExAC no frequency). In summary, the available evidence is currently insufficient to determine the role of this variant in disease. Therefore, it has been classified as a Variant of Uncertain Significance. Algorithms developed to predict the effect of missense changes on protein structure and function (SIFT, PolyPhen-2, Align-GVGD) all suggest that this variant is likely to be tolerated, but these predictions have not been confirmed by published functional studies and their clinical significance is uncertain. This variant has not been reported in the literature in individuals with APC-related conditions. This sequence change replaces glutamine with glutamic acid at codon 1071 of the APC protein (p.Gln1071Glu). The glutamine residue is highly conserved and there is a small physicochemical difference between glutamine and glutamic acid.

NM_000038.6(APC):c.3211C>G (p.Gln1071Glu)

Gene: APC (APC regulator of Wnt signaling pathway; plus strand). Cytogenetic location: 5q22.2.
Variant type: single nucleotide variant.
Coding change: c.3211C>G on transcript NM_000038.6 (MANE Select); coding-DNA position 3211, C replaced by G.
Protein change: p.Gln1071Glu; replaces glutamine 1071 with glutamic acid.
Molecular consequence: missense variant.
Genome position (GRCh38, 1-based): chr5:112,838,805, C>G. VCF-style: chr5-112838805-C-G. GRCh37 (hg19) VCF-style: chr5-112174502-C-G.
Other names: c.3211C>G, p.Gln1071Glu (NM_001127510.3, NM_001354895.2); c.3157C>G, p.Gln1053Glu (NM_001127511.3); c.3265C>G, p.Gln1089Glu (NM_001354896.2); c.3241C>G, p.Gln1081Glu (NM_001354897.2); c.3136C>G, p.Gln1046Glu (NM_001354898.2); c.3127C>G, p.Gln1043Glu (NM_001354899.2); c.3088C>G, p.Gln1030Glu (NM_001354900.2); c.3034C>G, p.Gln1012Glu (NM_001354901.2); and 5 more; short protein forms Q1012E, Q1030E, Q1043E, Q1046E, Q1053E, Q1071E, Q1081E, Q1089E.
Identifiers: ClinVar variation 998977 (VCV000998977.50), dbSNP rs876659539, ClinGen allele CA16028378.
Genomic context (GRCh38, chr5:112,838,805, plus strand): 5'-AGACCCAAACACATAATAGAAGATGAAATAAAACAAAGTGAGCAAAGACAATCAAGGAAT[C>G]AAAGTACAACTTATCCTGTTTATACTGAGAGCACTGATGATAAACACCTCAAGTTCCAAC-3'
Protein context (NP_000029.2, residues 1061-1081): KQSEQRQSRN[Gln1071Glu]STTYPVYTES